The following is an entry in ClinVar:

NM_001374828.1(ARID1B):c.43_44delinsGCGGC (p.Arg15delinsAlaAla)

Genes: ARID1B (AT-rich interaction domain 1B; plus strand), LOC115308161 (uncharacterized LOC115308161; minus strand). Cytogenetic location: 6q25.3.
Variant type: Indel.
Coding change: c.43_44delinsGCGGC on transcript NM_001374828.1 (MANE Select); coding-DNA positions 43 to 44, CG replaced by GCGGC.
Protein change: p.Arg15delinsAlaAla.
Molecular consequence: inframe indel.
Genome position (GRCh38, 1-based): chr6:156,777,723-156,777,724, CG replaced by GCGGC. VCF-style: chr6-156777723-CG-GCGGC. GRCh37 (hg19) VCF-style: chr6-157098857-CG-GCGGC.
Other names: c.43_44delinsGCGGC, p.Arg15delinsAlaAla (NM_001371656.1, NM_001374820.1, NM_001438482.1 and 9 more transcripts).
Identifiers: ClinVar variation 4884079 (VCV004884079.2).

ClinVar aggregate classification (germline): Uncertain significance (1 of 4 stars; one submission).

Submission:

Dasa
Classification: Uncertain significance. Last evaluated: 2025-01-28. Review status: criteria provided, single submitter. Criteria: DASA Assertion Criteria. Collection method: clinical testing. Allele origin: germline.
Comment: NM_001374828.1(ARID1B):c.43_44delinsGCGGC (p.Arg15delinsAlaAla) is an in-frame insertion/deletion-insertion predicted to alter the protein sequence without shifting the reading frame. This variant is absent from population databases. The currently available literature and clinical evidence are not sufficient to establish a definitive association between this variant and the reported condition. Therefore, this variant is classified as a variant of uncertain significance.